The following is an entry in ClinVar:

NM_004360.5(CDH1):c.645G>A (p.Lys215=)

Gene: CDH1 (cadherin 1; plus strand). Cytogenetic location: 16q22.1.
Variant type: single nucleotide variant.
Coding change: c.645G>A on transcript NM_004360.5 (MANE Select); coding-DNA position 645, G replaced by A.
Protein change: p.Lys215=; no amino-acid change (lysine 215 retained).
Molecular consequence: synonymous variant. On other transcripts: 5 prime UTR variant (2).
Genome position (GRCh38, 1-based): chr16:68,808,806, G>A. VCF-style: chr16-68808806-G-A. GRCh37 (hg19) VCF-style: chr16-68842709-G-A.
Other names: c.645G>A, p.Lys215= (NM_001317184.2); c.-971G>A (NM_001317185.2); c.-1175G>A (NM_001317186.2).
Identifiers: ClinVar variation 1129897 (VCV001129897.10), dbSNP rs2152130244, ClinGen allele CA496392411.
Genomic context (GRCh38, chr16:68,808,806, plus strand): 5'-AGGAGCTGACACACCCCCTGTTGGTGTCTTTATTATTGAAAGAGAAACAGGATGGCTGAA[G>A]GTGACAGAGCCTCTGGATAGAGAACGCATTGCCACATACACTGTAAGTATCTCTTAGAAG-3'
Protein context (NP_004351.1, residues 205-225): FIIERETGWL[Lys215=]VTEPLDRERI

ClinVar aggregate classification (germline): Benign/Likely benign. Review status: criteria provided, multiple submitters, no conflicts (2 of 4 stars). 2 submissions from 2 submitters: Benign (1); Likely benign (1). Last evaluated 2024-09-13.

Conditions:
Hereditary diffuse gastric adenocarcinoma (HDGC). Also called: DIFFUSE GASTRIC AND LOBULAR BREAST CANCER SYNDROME. Identifiers: Orphanet 26106, MedGen C1708349, MONDO:0007648, OMIM 137215.

Submissions (2):

Myriad Genetics, Inc.
Classification: Benign for Hereditary diffuse gastric adenocarcinoma. Last evaluated: 2024-09-13. Review status: criteria provided, single submitter. Criteria: Myriad Autosomal Dominant, Autosomal Recessive and X-Linked Classification Criteria (2023). Collection method: clinical testing. Allele origin: unknown.
Comment: This variant is considered benign. This variant is a silent/synonymous amino acid change and it is not expected to impact splicing.

Labcorp Genetics (formerly Invitae), Labcorp
Classification: Likely benign for Hereditary diffuse gastric adenocarcinoma. Last evaluated: 2023-08-11. Review status: criteria provided, single submitter. Criteria: Invitae Variant Classification Sherloc (09022015). Collection method: clinical testing. Allele origin: germline.